The following is an entry in ClinVar:

NM_023037.3(FRY):c.2454G>T (p.Leu818=)

Gene: FRY (FRY microtubule binding protein; plus strand). Cytogenetic location: 13q13.1.
Variant type: single nucleotide variant.
Coding change: c.2454G>T on transcript NM_023037.3 (MANE Select); coding-DNA position 2454, G replaced by T.
Protein change: p.Leu818=; no amino-acid change (leucine 818 retained).
Molecular consequence: synonymous variant.
Genome position (GRCh38, 1-based): chr13:32,178,209, G>T. VCF-style: chr13-32178209-G-T. GRCh37 (hg19) VCF-style: chr13-32752346-G-T.
Identifiers: ClinVar variation 714342 (VCV000714342.27), dbSNP rs376360067, ClinGen allele CA6938393.

ClinVar aggregate classification (germline): Likely benign. Review status: criteria provided, multiple submitters, no conflicts (2 of 4 stars). 2 submissions from 2 submitters: Likely benign (2). Last evaluated 2023-03-01.

Allele frequency attached by ClinVar (database versions not stated): gnomAD 0.00002; gnomAD exomes 0.00002 and 0.00005; TOPMed 0.00003; ExAC 0.00004; ESP Exome Variant Server 0.00008.
gnomAD v4.1: 73 of 1,613,996 alleles (0.0045%); highest among the groups gnomAD compares: Non-Finnish European, 0.006%; no homozygotes.

Submissions (2):

CeGaT Center for Human Genetics Tuebingen
Classification: Likely benign. Last evaluated: 2023-03-01. Review status: criteria provided, single submitter. Criteria: CeGaT Center For Human Genetics Tuebingen Variant Classification Criteria Version 2. Collection method: clinical testing. Allele origin: germline. Affected: yes. Observed: 1 variant allele.
Comment: FRY: BP4, BP7

Labcorp Genetics (formerly Invitae), Labcorp
Classification: Likely benign. Last evaluated: 2017-11-06. Review status: criteria provided, single submitter. Criteria: Invitae Variant Classification Sherloc (09022015). Collection method: clinical testing. Allele origin: germline.